The following is an entry in ClinVar:

ClinVar aggregate classification (germline): Uncertain significance (1 of 4 stars; one submission).

Conditions:
Senior-Loken syndrome 8 (SLSN8). Identifiers: Orphanet 3156, MedGen C4225376, MONDO:0014579, OMIM 616307.
Asphyxiating thoracic dystrophy 5 (SRTD5). Also called: SHORT-RIB THORACIC DYSPLASIA 5 WITH OR WITHOUT POLYDACTYLY; SHORT-RIB THORACIC DYSPLASIA 5 WITHOUT POLYDACTYLY. Identifiers: Orphanet 474, MedGen C3280598, MONDO:0013717, OMIM 614376.

Submission:

Labcorp Genetics (formerly Invitae), Labcorp
Classification: Uncertain significance for Senior-Loken syndrome 8; Asphyxiating thoracic dystrophy 5. Last evaluated: 2021-11-01. Review status: criteria provided, single submitter. Criteria: Invitae Variant Classification Sherloc (09022015). Collection method: clinical testing. Allele origin: germline.
Comment: Algorithms developed to predict the effect of missense changes on protein structure and function are either unavailable or do not agree on the potential impact of this missense change (SIFT: "Tolerated"; PolyPhen-2: "Possibly Damaging"; Align-GVGD: "Class C0"). In summary, the available evidence is currently insufficient to determine the role of this variant in disease. Therefore, it has been classified as a Variant of Uncertain Significance. This variant has not been reported in the literature in individuals affected with WDR19-related conditions. This variant is not present in population databases (gnomAD no frequency). This sequence change replaces leucine, which is neutral and non-polar, with isoleucine, which is neutral and non-polar, at codon 443 of the WDR19 protein (p.Leu443Ile).

NM_025132.4(WDR19):c.1327C>A (p.Leu443Ile)

Gene: WDR19 (WD repeat domain 19; plus strand). Cytogenetic location: 4p14.
Variant type: single nucleotide variant.
Coding change: c.1327C>A on transcript NM_025132.4 (MANE Select); coding-DNA position 1327, C replaced by A.
Protein change: p.Leu443Ile; replaces leucine 443 with isoleucine.
Molecular consequence: missense variant.
Genome position (GRCh38, 1-based): chr4:39,217,211, C>A. VCF-style: chr4-39217211-C-A. GRCh37 (hg19) VCF-style: chr4-39218831-C-A.
Other names: c.847C>A, p.Leu283Ile (NM_001317924.2); short protein forms L443I, L283I.
Identifiers: ClinVar variation 1390770 (VCV001390770.6), dbSNP rs1368404511, ClinGen allele CA356630934.
Genomic context (GRCh38, chr4:39,217,211, plus strand): 5'-GATATGGAGTATCTGGGAACAGTAGCCAGTATTTGCCTTCATTCTGACTATGCTGCTGCA[C>A]TTTTTGAAGGCAAAGTCCAGTTACATTTGGTAAGTATAATTTTGATGTCCTGGAGACGCG-3'
Protein context (NP_079408.3, residues 433-453): ICLHSDYAAA[Leu443Ile]FEGKVQLHLI